The following is an entry in ClinVar:

ClinVar aggregate classification (germline): Uncertain significance (1 of 4 stars; one submission).

gnomAD v4.1: 79 of 1,612,656 alleles (0.0049%); highest among the groups gnomAD compares: Non-Finnish European, 0.0058%; no homozygotes.

Submission:

Labcorp Genetics (formerly Invitae), Labcorp
Classification: Uncertain significance. Last evaluated: 2025-08-05. Review status: criteria provided, single submitter. Criteria: Invitae Variant Classification Sherloc (09022015). Collection method: clinical testing. Allele origin: germline.
Comment: This sequence change replaces threonine, which is neutral and polar, with isoleucine, which is neutral and non-polar, at codon 4418 of the HMCN1 protein (p.Thr4418Ile). This variant is present in population databases (rs370337915, gnomAD 0.008%). This variant has not been reported in the literature in individuals affected with HMCN1-related conditions. ClinVar contains an entry for this variant (Variation ID: 3614294). An algorithm developed to predict the effect of missense changes on protein structure and function (PolyPhen-2) suggests that this variant is likely to be disruptive. In summary, the available evidence is currently insufficient to determine the role of this variant in disease. Therefore, it has been classified as a Variant of Uncertain Significance.

NM_031935.3(HMCN1):c.13253C>T (p.Thr4418Ile)

Gene: HMCN1 (hemicentin 1; plus strand). Cytogenetic location: 1q31.1.
Variant type: single nucleotide variant.
Coding change: c.13253C>T on transcript NM_031935.3 (MANE Select); coding-DNA position 13253, C replaced by T.
Protein change: p.Thr4418Ile; replaces threonine 4418 with isoleucine.
Molecular consequence: missense variant.
Genome position (GRCh38, 1-based): chr1:186,132,350, C>T. VCF-style: chr1-186132350-C-T. GRCh37 (hg19) VCF-style: chr1-186101482-C-T.
Other names: short protein forms T4418I.
Identifiers: ClinVar variation 3614294 (VCV003614294.2).